The following is an entry in ClinVar:

NM_002691.4(POLD1):c.616C>G (p.Pro206Ala)

Gene: POLD1 (DNA polymerase delta 1, catalytic subunit; plus strand). Cytogenetic location: 19q13.33.
Variant type: single nucleotide variant.
Coding change: c.616C>G on transcript NM_002691.4 (MANE Select); coding-DNA position 616, C replaced by G.
Protein change: p.Pro206Ala; replaces proline 206 with alanine.
Molecular consequence: missense variant. On other transcripts: non-coding transcript variant (1).
Genome position (GRCh38, 1-based): chr19:50,402,231, C>G. VCF-style: chr19-50402231-C-G. GRCh37 (hg19) VCF-style: chr19-50905488-C-G.
Other names: c.616C>G, p.Pro206Ala (NM_001256849.1, NM_001308632.1); short protein forms P206A.
Identifiers: ClinVar variation 2861075 (VCV002861075.3), dbSNP rs770961852, ClinGen allele CA406973904.
Genomic context (GRCh38, chr19:50,402,231, plus strand): 5'-GCCATTGGCTGGTCCCAGCTTCTTCCATCCACAGGCATGTTTGGGTACCACGGGCACGGC[C>G]CCTCCCCGTTCCTGCGCATCACCGTGGCGCTGCCGCGCCTCGTGGCCCCGGCCCGCCGTC-3'
Protein context (NP_002682.2, residues 196-216): ESMFGYHGHG[Pro206Ala]SPFLRITVAL

ClinVar aggregate classification (germline): Uncertain significance (1 of 4 stars; one submission).

Conditions:
POLD1-related polyposis and colorectal cancer syndrome (CRCS10). Also called: Colorectal cancer 10; COLORECTAL CANCER, SUSCEPTIBILITY TO, ON CHROMOSOME 19q; Colorectal cancer, susceptibility to, 10. Identifiers: Orphanet 220460, MedGen C2675481, MONDO:0012953, OMIM 612591.

Submission:

Labcorp Genetics (formerly Invitae), Labcorp
Classification: Uncertain significance for POLD1-related polyposis and colorectal cancer syndrome. Last evaluated: 2023-05-01. Review status: criteria provided, single submitter. Criteria: Invitae Variant Classification Sherloc (09022015). Collection method: clinical testing. Allele origin: germline.
Comment: This variant is not present in population databases (gnomAD no frequency). In summary, the available evidence is currently insufficient to determine the role of this variant in disease. Therefore, it has been classified as a Variant of Uncertain Significance. Advanced modeling of protein sequence and biophysical properties (such as structural, functional, and spatial information, amino acid conservation, physicochemical variation, residue mobility, and thermodynamic stability) performed at Invitae indicates that this missense variant is not expected to disrupt POLD1 protein function. This variant has not been reported in the literature in individuals affected with POLD1-related conditions. This sequence change replaces proline, which is neutral and non-polar, with alanine, which is neutral and non-polar, at codon 206 of the POLD1 protein (p.Pro206Ala).